The following is an entry in ClinVar:

ClinVar aggregate classification (germline): Uncertain significance. Review status: criteria provided, multiple submitters, no conflicts (2 of 4 stars). 2 submissions from 2 submitters: Uncertain significance (2). Last evaluated 2025-08-12.

Conditions:
Inborn genetic diseases. Identifiers: MedGen C0950123, MeSH D030342.

Allele frequency attached by ClinVar (database versions not stated): TOPMed below 0.00001.
gnomAD v4.1: 7 of 1,411,792 alleles (0.0005%); highest among the groups gnomAD compares: South Asian, 0.0092%; no homozygotes.

Submissions (2):

Ambry Genetics
Classification: Uncertain significance for Inborn genetic diseases. Last evaluated: 2025-08-12. Review status: criteria provided, single submitter. Criteria: Ambry Variant Classification Scheme 2023. Collection method: clinical testing. Allele origin: germline.

CeGaT Center for Human Genetics Tuebingen
Classification: Uncertain significance. Last evaluated: 2023-03-01. Review status: criteria provided, single submitter. Criteria: CeGaT Center For Human Genetics Tuebingen Variant Classification Criteria Version 2. Collection method: clinical testing. Allele origin: germline. Affected: yes. Observed: 1 variant allele.
Comment: KDM1A: PM2, PP2

NM_001009999.3(KDM1A):c.52G>A (p.Ala18Thr)

Gene: KDM1A (lysine demethylase 1A; plus strand). Cytogenetic location: 1p36.12.
Variant type: single nucleotide variant.
Coding change: c.52G>A on transcript NM_001009999.3 (MANE Select); coding-DNA position 52, G replaced by A.
Protein change: p.Ala18Thr; replaces alanine 18 with threonine.
Molecular consequence: missense variant.
Genome position (GRCh38, 1-based): chr1:23,019,648, G>A. VCF-style: chr1-23019648-G-A. GRCh37 (hg19) VCF-style: chr1-23346141-G-A.
Other names: c.52G>A (NM_001009999.2); c.52G>A, p.Ala18Thr (NM_001363654.2, NM_001410762.1, NM_001410763.1 and 1 more transcripts); short protein forms A18T.
Identifiers: ClinVar variation 2638473 (VCV002638473.25), dbSNP rs1056135531, ClinGen allele CA19198765.